The following is an entry in ClinVar:

ClinVar aggregate classification (germline): Uncertain significance (1 of 4 stars; one submission).

Submission:

Ambry Genetics
Classification: Uncertain significance. Last evaluated: 2025-02-02. Review status: criteria provided, single submitter. Criteria: Ambry Variant Classification Scheme 2023. Collection method: clinical testing. Allele origin: germline.
Comment: The p.M288I variant (also known as c.864G>T), located in coding exon 4 of the GFI1 gene, results from a G to T substitution at nucleotide position 864. The methionine at codon 288 is replaced by isoleucine, an amino acid with highly similar properties. This amino acid position is conserved. In addition, this alteration is predicted to be tolerated by in silico analysis. Based on the available evidence, the clinical significance of this variant remains unclear.

NM_005263.5(GFI1):c.864G>T (p.Met288Ile)

Gene: GFI1 (growth factor independent 1 transcriptional repressor; minus strand). Cytogenetic location: 1p22.1.
Variant type: single nucleotide variant.
Coding change: c.864G>T on transcript NM_005263.5 (MANE Select); coding-DNA position 864, G replaced by T.
Protein change: p.Met288Ile; replaces methionine 288 with isoleucine.
Molecular consequence: missense variant.
Genome position (GRCh38, 1-based): chr1:92,480,408, C>A on the plus strand (G>T on the coding strand, the complement: GFI1 is on the minus strand). VCF-style: chr1-92480408-C-A. GRCh37 (hg19) VCF-style: chr1-92945965-C-A.
Other names: c.864G>T, p.Met288Ile (NM_001127215.3, NM_001127216.3); short protein forms M288I.
Identifiers: ClinVar variation 3853707 (VCV003853707.1).